The following is an entry in ClinVar:

NM_001673.5(ASNS):c.717del (p.Phe239fs)

Genes: ASNS (asparagine synthetase (glutamine-hydrolyzing); minus strand), CZ1P-ASNS (CZ1P-ASNS readthrough; minus strand). Cytogenetic location: 7q21.3.
Variant type: Deletion.
Coding change: c.717del on transcript NM_001673.5 (MANE Select); coding-DNA position 717, one base deleted (T; older notation c.717delT).
Protein change: p.Phe239fs; shifts the reading frame from phenylalanine 239.
Molecular consequence: frameshift variant. On other transcripts: non-coding transcript variant (1).
Genome position (GRCh38, 1-based): chr7:97,858,912, A deleted on the plus strand (T on the coding strand, the reverse complement: ASNS is on the minus strand); the first of 5 consecutive A bases (chr7:97,858,912-97,858,916); deleting any one gives the same sequence. VCF-style (leftmost placement, unchanged base first): chr7-97858911-TA-T. GRCh37 (hg19) VCF-style: chr7-97488223-TA-T.
Other names: c.654del, p.Phe218fs (NM_001178075.2); c.468del, p.Phe156fs (NM_001178076.2, NM_001178077.1); c.717del, p.Phe239fs (NM_001352496.2, NM_133436.3, NM_183356.4); short protein forms F156fs, F239fs, F218fs.
Identifiers: ClinVar variation 1369744 (VCV001369744.6), dbSNP rs2115655031, ClinGen allele CA2573142482.

ClinVar aggregate classification (germline): Pathogenic (1 of 4 stars; one submission).

Submission:

Labcorp Genetics (formerly Invitae), Labcorp
Classification: Pathogenic. Last evaluated: 2021-09-04. Review status: criteria provided, single submitter. Criteria: Invitae Variant Classification Sherloc (09022015). Collection method: clinical testing. Allele origin: germline.
Comment: For these reasons, this variant has been classified as Pathogenic. This variant has not been reported in the literature in individuals affected with ASNS-related conditions. This variant is not present in population databases (ExAC no frequency). This sequence change creates a premature translational stop signal (p.Phe239Leufs*5) in the ASNS gene. It is expected to result in an absent or disrupted protein product. Loss-of-function variants in ASNS are known to be pathogenic (PMID: 27422383, 30057589).

Literature cited by the submitters: PubMed 27422383; PubMed 30057589.